The following is an entry in ClinVar:

NM_014319.5(LEMD3):c.2657A>C (p.Lys886Thr)

Gene: LEMD3 (LEM domain containing 3; plus strand). Cytogenetic location: 12q14.3.
Variant type: single nucleotide variant.
Coding change: c.2657A>C on transcript NM_014319.5 (MANE Select); coding-DNA position 2657, A replaced by C.
Protein change: p.Lys886Thr; replaces lysine 886 with threonine.
Molecular consequence: missense variant.
Genome position (GRCh38, 1-based): chr12:65,246,246, A>C. VCF-style: chr12-65246246-A-C. GRCh37 (hg19) VCF-style: chr12-65640026-A-C.
Other names: c.2654A>C, p.Lys885Thr (NM_001167614.2); short protein forms K885T, K886T.
Identifiers: ClinVar variation 3629253 (VCV003629253.2).

ClinVar aggregate classification (germline): Uncertain significance (1 of 4 stars; one submission).

gnomAD v4.1: 1 of 1,613,122 alleles (0.000062%); highest among the groups gnomAD compares: Admixed American, 0.0017%; no homozygotes.

Submission:

Labcorp Genetics (formerly Invitae), Labcorp
Classification: Uncertain significance. Last evaluated: 2024-11-30. Review status: criteria provided, single submitter. Criteria: Invitae Variant Classification Sherloc (09022015). Collection method: clinical testing. Allele origin: germline.
Comment: This sequence change replaces lysine, which is basic and polar, with threonine, which is neutral and polar, at codon 886 of the LEMD3 protein (p.Lys886Thr). This variant is not present in population databases (gnomAD no frequency). This variant has not been reported in the literature in individuals affected with LEMD3-related conditions. Invitae Evidence Modeling of protein sequence and biophysical properties (such as structural, functional, and spatial information, amino acid conservation, physicochemical variation, residue mobility, and thermodynamic stability) indicates that this missense variant is expected to disrupt LEMD3 protein function with a positive predictive value of 80%. In summary, the available evidence is currently insufficient to determine the role of this variant in disease. Therefore, it has been classified as a Variant of Uncertain Significance.